The following is an entry in ClinVar:

NM_000255.4(MMUT):c.1171_1172delinsT (p.Asp391fs)

Gene: MMUT (methylmalonyl-CoA mutase; minus strand). Cytogenetic location: 6p12.3.
Variant type: Indel.
Coding change: c.1171_1172delinsT on transcript NM_000255.4 (MANE Select); coding-DNA positions 1171 to 1172, GA replaced by T.
Protein change: p.Asp391fs; shifts the reading frame from aspartic acid 391.
Molecular consequence: frameshift variant.
Genome position (GRCh38, 1-based): chr6:49,451,626-49,451,627, TC replaced by A on the plus strand (GA replaced by T on the coding strand, the reverse complement: MMUT is on the minus strand). VCF-style: chr6-49451626-TC-A. GRCh37 (hg19) VCF-style: chr6-49419339-TC-A.
Other names: short protein forms D391fs.
Identifiers: ClinVar variation 1724673 (VCV001724673.2), dbSNP rs2481334231, ClinGen allele CA2580074726.

ClinVar aggregate classification (germline): Likely pathogenic (1 of 4 stars; one submission).

Conditions:
Methylmalonic aciduria due to methylmalonyl-CoA mutase deficiency (MAMM). Also called: Methylmalonic aciduria, mut type. Identifiers: Orphanet 27, MedGen C1855114, MONDO:0009612, OMIM 251000.

Submission:

Myriad Genetics, Inc.
Classification: Likely pathogenic for Methylmalonic aciduria due to methylmalonyl-CoA mutase deficiency. Last evaluated: 2022-02-25. Review status: criteria provided, single submitter. Criteria: Myriad Women's Health Autosomal Recessive and X-Linked Classification Criteria (2021). Collection method: clinical testing. Allele origin: unknown.
Comment: NM_000255.3(MMUT):c.1171_1172delGAinsT(D391Lfs*9) is expected to be pathogenic in the context of methylmalonic acidemia, MMUT-related. This variant is predicted to lead to an abnormal or absent protein product due to the creation of a premature termination codon in MMUT, a gene where loss-of-function variants are known to be pathogenic. Please note: this variant was assessed in the context of healthy population screening.